The following is an entry in ClinVar:

ClinVar aggregate classification (germline): Benign. Review status: reviewed by expert panel (3 of 4 stars). 3 submissions from 3 submitters: Benign (1). 2 of the submissions do not count toward it. Last evaluated 2016-09-28.

Conditions:
Breast-ovarian cancer, familial, susceptibility to, 1 (BROVCA1). Also called: OVARIAN CANCER, SUSCEPTIBILITY TO; BRCA1 Hereditary Breast and Ovarian Cancer. Identifiers: Orphanet 145, MedGen C2676676, MONDO:0011450, OMIM 604370. Disease mechanism: loss of function.

Allele frequency attached by ClinVar (database versions not stated): 1000 Genomes Project 30x 0.00671; 1000 Genomes Project 0.00679; gnomAD 0.00885 and 0.00943; TOPMed 0.00950.
gnomAD v4.1: 1,430 of 152,008 alleles (0.94%); highest among the groups gnomAD compares: Middle Eastern, 4.1%; 16 homozygotes.

Submissions (3):

Evidence-based Network for the Interpretation of Germline Mutant Alleles (ENIGMA)
Classification: Benign for Breast-ovarian cancer, familial, susceptibility to, 1. Last evaluated: 2016-09-28. Review status: reviewed by expert panel. Criteria: ENIGMA BRCA1/2 Classification Criteria (2015). Collection method: curation. Allele origin: germline.
Comment: Class 1 not pathogenic based on frequency >1% in an outbred sampleset. Frequency 0.0174 (South Asian), derived from 1000 genomes (2013-05-02).

CeGaT Center for Human Genetics Tuebingen
Classification: Benign. Last evaluated: 2026-10-01. Review status: criteria provided, single submitter. Criteria: CeGaT Center For Human Genetics Tuebingen Variant Classification Criteria Version 2. Collection method: clinical testing. Allele origin: germline. Affected: yes. Observed: 65 variant alleles. Not counted in ClinVar's aggregate classification.
Comment: BRCA1: BS1, BS2

Breakthrough Genomics
Classification: Benign. Review status: criteria provided, single submitter. Criteria: ACMG Guidelines, 2015. Collection method: not provided. Allele origin: germline. Inheritance: Autosomal recessive inheritance. Affected: yes. Not counted in ClinVar's aggregate classification.

NM_007294.4(BRCA1):c.593+357C>T

Gene: BRCA1 (BRCA1 DNA repair associated; minus strand). Cytogenetic location: 17q21.31.
Variant type: single nucleotide variant.
Coding change: c.593+357C>T on transcript NM_007294.4 (MANE Select); 357 bases into the intron after coding-DNA position 593, C replaced by T.
Molecular consequence: intron variant.
Genome position (GRCh38, 1-based): chr17:43,096,887, G>A on the plus strand (C>T on the coding strand, the complement: BRCA1 is on the minus strand). VCF-style: chr17-43096887-G-A. GRCh37 (hg19) VCF-style: chr17-41248904-G-A.
Other names: c.452+357C>T (NM_001408458.1, NM_001408469.1, NM_001408453.1 and 43 more transcripts); c.-218-2027C>T (NM_001407967.1, NM_001407966.1); c.212+357C>T (NM_001407959.1, NM_001408510.1, NM_001407963.1 and 1 more transcripts); c.404-2027C>T (NM_001407931.1, NM_001407932.1, NM_001408503.1 and 5 more transcripts); c.449+357C>T (NM_001407747.1, NM_001408470.1, NM_001407848.1 and 26 more transcripts); c.209+357C>T (NM_001407962.1); c.167-2027C>T (NM_001408512.1, NM_001407965.1); c.383+357C>T (NM_001407885.1, NM_001407886.1, NM_001407881.1 and 27 more transcripts); and 17 more.
Identifiers: ClinVar variation 264787 (VCV000264787.11), dbSNP rs8176146, ClinGen allele CA10588230.